The following is an entry in ClinVar:

ClinVar aggregate classification (germline): Likely benign. Review status: criteria provided, multiple submitters, no conflicts (2 of 4 stars). 2 submissions from 2 submitters: Likely benign (2). Last evaluated 2022-04-01.

Conditions:
Inborn genetic diseases. Identifiers: MedGen C0950123, MeSH D030342.

Allele frequency attached by ClinVar (database versions not stated): ESP Exome Variant Server 0.00008; TOPMed 0.00014; gnomAD 0.00019; gnomAD exomes 0.00029; ExAC 0.00045.
gnomAD v4.1: 456 of 1,614,028 alleles (0.028%); highest among the groups gnomAD compares: Non-Finnish European, 0.03%; 1 homozygote.

Submissions (2):

CeGaT Center for Human Genetics Tuebingen
Classification: Likely benign. Last evaluated: 2022-04-01. Review status: criteria provided, single submitter. Criteria: CeGaT Center For Human Genetics Tuebingen Variant Classification Criteria Version 2. Collection method: clinical testing. Allele origin: germline. Affected: yes. Observed: 1 variant allele.
Comment: SETD1A: BP4

Ambry Genetics
Classification: Likely benign for Inborn genetic diseases. Last evaluated: 2021-10-12. Review status: criteria provided, single submitter. Criteria: Ambry Variant Classification Scheme 2023. Collection method: clinical testing. Allele origin: germline.

NM_014712.3(SETD1A):c.2810C>T (p.Pro937Leu)

Gene: SETD1A (SET domain containing 1A, histone lysine methyltransferase; plus strand). Cytogenetic location: 16p11.2.
Variant type: single nucleotide variant.
Coding change: c.2810C>T on transcript NM_014712.3 (MANE Select); coding-DNA position 2810, C replaced by T.
Protein change: p.Pro937Leu; replaces proline 937 with leucine.
Molecular consequence: missense variant.
Genome position (GRCh38, 1-based): chr16:30,969,344, C>T. VCF-style: chr16-30969344-C-T. GRCh37 (hg19) VCF-style: chr16-30980665-C-T.
Other names: short protein forms P937L.
Identifiers: ClinVar variation 2346982 (VCV002346982.26), dbSNP rs61741186, ClinGen allele CA8017048.